The following is an entry in ClinVar:

ClinVar aggregate classification (germline): Conflicting classifications of pathogenicity. Review status: criteria provided, conflicting classifications (1 of 4 stars). 5 submissions from 5 submitters: Uncertain significance (4); Likely benign (1). Last evaluated 2025-12-16.

Conditions:
Hereditary cancer-predisposing syndrome. Also called: Hereditary Cancer Syndrome; Neoplastic Syndromes, Hereditary; Tumor predisposition; Hereditary neoplastic syndrome. Identifiers: Orphanet 140162, MedGen C0027672, MeSH D009386, MONDO:0015356.
Familial cancer of breast. Also called: BREAST CANCER, FAMILIAL; Hereditary breast cancer; hereditary breast carcinoma. Identifiers: Orphanet 227535, MedGen C0346153, MONDO:0016419, OMIM 114480. Disease mechanism: loss of function.

Allele frequency attached by ClinVar (database versions not stated): gnomAD exomes below 0.00001; gnomAD 0.00002; TOPMed 0.00002.
gnomAD v4.1: 6 of 1,614,076 alleles (0.00037%); highest among the groups gnomAD compares: Admixed American, 0.0033%; no homozygotes.

Submissions (5):

Labcorp Genetics (formerly Invitae), Labcorp
Classification: Uncertain significance for Familial cancer of breast. Last evaluated: 2025-12-16. Review status: criteria provided, single submitter. Criteria: Invitae Variant Classification Sherloc (09022015). Collection method: clinical testing. Allele origin: germline.
Comment: This sequence change replaces serine, which is neutral and polar, with glycine, which is neutral and non-polar, at codon 270 of the PALB2 protein (p.Ser270Gly). This variant is present in population databases (no rsID available, gnomAD 0.007%). This variant has not been reported in the literature in individuals affected with PALB2-related conditions. ClinVar contains an entry for this variant (Variation ID: 481112). An algorithm developed to predict the effect of missense changes on protein structure and function outputs the following: PolyPhen-2: "Benign". The glycine amino acid residue is found in multiple mammalian species, which suggests that this missense change does not adversely affect protein function. In summary, the available evidence is currently insufficient to determine the role of this variant in disease. Therefore, it has been classified as a Variant of Uncertain Significance.

Color Diagnostics, LLC DBA Color Health
Classification: Uncertain significance for Hereditary cancer-predisposing syndrome. Last evaluated: 2025-03-24. Review status: criteria provided, single submitter. Criteria: ACMG Guidelines, 2015. Collection method: clinical testing. Allele origin: germline.
Comment: This missense variant replaces serine with glycine at codon 270 of the PALB2 protein. Computational prediction suggests that this variant may not impact protein structure and function (internally defined REVEL score threshold <= 0.5, PMID: 27666373). To our knowledge, functional studies have not been reported for this variant. This variant has not been reported in individuals affected with hereditary cancer in the literature. This variant has been identified in 1/31412 chromosomes in the general population by the Genome Aggregation Database (gnomAD). The available evidence is insufficient to determine the role of this variant in disease conclusively. Therefore, this variant is classified as a Variant of Uncertain Significance.

Ambry Genetics
Classification: Likely benign for Hereditary cancer-predisposing syndrome. Last evaluated: 2024-03-27. Review status: criteria provided, single submitter. Criteria: Ambry Variant Classification Scheme 2023. Collection method: clinical testing. Allele origin: germline.

GeneDx
Classification: Uncertain significance. Last evaluated: 2024-01-16. Review status: criteria provided, single submitter. Criteria: GeneDx Variant Classification Process June 2021. Collection method: clinical testing. Allele origin: germline. Affected: yes.
Comment: Not observed at a significant frequency in large population cohorts (gnomAD); In silico analysis supports that this missense variant does not alter protein structure/function; Has not been previously published as pathogenic or benign to our knowledge

Quest Diagnostics Nichols Institute San Juan Capistrano
Classification: Uncertain significance. Last evaluated: 2019-02-01. Review status: criteria provided, single submitter. Criteria: Quest Diagnostics criteria. Collection method: clinical testing. Allele origin: germline.

NM_024675.4(PALB2):c.808A>G (p.Ser270Gly)

Gene: PALB2 (partner and localizer of BRCA2; minus strand). Cytogenetic location: 16p12.2.
Variant type: single nucleotide variant.
Coding change: c.808A>G on transcript NM_024675.4 (MANE Select); coding-DNA position 808, A replaced by G.
Protein change: p.Ser270Gly; replaces serine 270 with glycine.
Molecular consequence: missense variant.
Genome position (GRCh38, 1-based): chr16:23,635,738, T>C on the plus strand (A>G on the coding strand, the complement: PALB2 is on the minus strand). VCF-style: chr16-23635738-T-C. GRCh37 (hg19) VCF-style: chr16-23647059-T-C.
Other names: short protein forms S270G.
Identifiers: ClinVar variation 481112 (VCV000481112.22), dbSNP rs1347076714, ClinGen allele CA395136000.